The following is an entry in ClinVar:

ClinVar aggregate classification (germline): Likely benign (0 of 4 stars; one submission).

Conditions:
CDH3-related disorder. Also called: CDH3-related condition.

Submission:

PreventionGenetics, part of Exact Sciences
Classification: Likely benign for CDH3-related condition. Last evaluated: 2019-08-06. Review status: no assertion criteria provided. Collection method: clinical testing. Allele origin: germline.
Comment: This variant is classified as likely benign based on ACMG/AMP sequence variant interpretation guidelines (Richards et al. 2015 PMID: 25741868, with internal and published modifications).

NM_001793.6(CDH3):c.-14CT[3]

Genes: CDH3 (cadherin 3; plus strand), CDH3-AS1 (CDH3 antisense RNA 1; minus strand). Cytogenetic location: 16q22.1.
Variant type: Microsatellite.
Coding change: c.-14CT[3] on transcript NM_001793.6 (MANE Select); three copies in a row of the 2-base unit CT starting at c.-14; the reference has four copies in a row; one copy, 2 bases deleted.
Molecular consequence: 5 prime UTR variant. On other transcripts: non-coding transcript variant (1).
Genome position (GRCh38, 1-based): chr16:68,645,372-68,645,373, CT deleted; deleting any 2 consecutive bases within chr16:68,645,366-68,645,373 gives the same sequence; the position shown is the placement nearest the transcript's 3' end. VCF-style (leftmost placement, unchanged base first): chr16-68645365-CCT-C. GRCh37 (hg19) VCF-style: chr16-68679268-CCT-C.
Other names: c.-14CT[3] (NM_001317195.3); c.-64CT[3] (NM_001317196.2).
Identifiers: ClinVar variation 3049458 (VCV003049458.2), dbSNP rs1288625645, ClinGen allele CA396455049.
Genomic context (GRCh38, chr16:68,645,365, plus strand): 5'-TGCTCAAAGGGGCAAGAGCTGAGCGGAACACCGGCCCGCCGTCGCGGCAGCTGCTTCACC[CCT>C]CTCTCTGCAGCCATGGGGCTCCCTCGTGGACCTCTCGCGTCTCTCCTCCTTCTCCAGGTA-3'